The following is an entry in ClinVar:

NM_020822.3(KCNT1):c.2849G>T (p.Arg950Leu)

Gene: KCNT1 (potassium sodium-activated channel subfamily T member 1; plus strand). Cytogenetic location: 9q34.3.
Variant type: single nucleotide variant.
Coding change: c.2849G>T on transcript NM_020822.3 (MANE Select); coding-DNA position 2849, G replaced by T.
Protein change: p.Arg950Leu; replaces arginine 950 with leucine.
Molecular consequence: missense variant.
Genome position (GRCh38, 1-based): chr9:135,784,031, G>T. VCF-style: chr9-135784031-G-T. GRCh37 (hg19) VCF-style: chr9-138675877-G-T.
Other names: c.2714G>T, p.Arg905Leu (NM_001272003.2); short protein forms R950L, R905L.
Identifiers: ClinVar variation 473378 (VCV000473378.9), dbSNP rs886043455, ClinGen allele CA375517259.

ClinVar aggregate classification (germline): Pathogenic (1 of 4 stars; one submission).

Conditions:
Autosomal dominant nocturnal frontal lobe epilepsy 5. Also called: Epilepsy, nocturnal frontal lobe, 5; CILIARY DYSKINESIA, PRIMARY, 28, WITHOUT SITUS INVERSUS; CILIARY DYSKINESIA, PRIMARY, 28, WITH SITUS INVERSUS; KCNT1-Related Epilepsy. Identifiers: Orphanet 98784, MedGen C3554306, MONDO:0014002, OMIM 615005.
Developmental and epileptic encephalopathy, 14 (DEE14). Also called: Early infantile epileptic encephalopathy 14. Identifiers: Orphanet 293181, MedGen C3554195, MONDO:0013989, OMIM 614959.

Submission:

Labcorp Genetics (formerly Invitae), Labcorp
Classification: Pathogenic for Autosomal dominant nocturnal frontal lobe epilepsy 5; Developmental and epileptic encephalopathy, 14. Last evaluated: 2017-08-29. Review status: criteria provided, single submitter. Criteria: Invitae Variant Classification Sherloc (09022015). Collection method: clinical testing. Allele origin: germline.
Comment: For these reasons, this variant has been classified as Pathogenic. A different missense substitution at this codon (p.Arg950Gln) has been determined to be pathogenic (PMID: 26122718, 27029629). This suggests that the arginine residue is critical for KCNT1 protein function and that other missense substitutions at this position may also be pathogenic. Algorithms developed to predict the effect of missense changes on protein structure and function (SIFT, PolyPhen-2, Align-GVGD) all suggest that this variant is likely to be disruptive, but these predictions have not been confirmed by published functional studies and their clinical significance is uncertain. This variant has not been reported in the literature in individuals with KCNT1-related disease. This variant is not present in population databases (ExAC no frequency). This sequence change replaces arginine with leucine at codon 950 of the KCNT1 protein (p.Arg950Leu). The arginine residue is highly conserved and there is a moderate physicochemical difference between arginine and leucine.

Literature cited by the submitters: PubMed 26122718; PubMed 27029629.